The following is an entry in ClinVar:

NM_001171.6(ABCC6):c.2974G>C (p.Gly992Arg)

Gene: ABCC6 (ATP binding cassette subfamily C member 6; minus strand). Cytogenetic location: 16p13.11.
Variant type: single nucleotide variant.
Coding change: c.2974G>C on transcript NM_001171.6 (MANE Select); coding-DNA position 2974, G replaced by C.
Protein change: p.Gly992Arg; replaces glycine 992 with arginine.
Molecular consequence: missense variant. On other transcripts: non-coding transcript variant (1).
Genome position (GRCh38, 1-based): chr16:16,169,667, C>G on the plus strand (G>C on the coding strand, the complement: ABCC6 is on the minus strand). VCF-style: chr16-16169667-C-G. GRCh37 (hg19) VCF-style: chr16-16263524-C-G.
Other names: c.2632G>C, p.Gly878Arg (NM_001351800.1); short protein forms G992R, G878R.
Identifiers: ClinVar variation 433299 (VCV000433299.7), dbSNP rs72657692, ClinGen allele CA7925729.

ClinVar aggregate classification (germline): Pathogenic. Review status: criteria provided, multiple submitters, no conflicts (2 of 4 stars). 3 submissions from 3 submitters: Pathogenic (2). 1 of the submissions does not count toward it. Last evaluated 2025-09-22.

Conditions:
Autosomal recessive inherited pseudoxanthoma elasticum (PXE). Identifiers: Orphanet 758, MedGen CN032334, MONDO:0009925, OMIM 264800.
ABCC6-related disorder. Also called: ABCC6-related condition.

Allele frequency attached by ClinVar (database versions not stated): TOPMed 0.00002.

Submissions (3):

Labcorp Genetics (formerly Invitae), Labcorp
Classification: Pathogenic. Last evaluated: 2025-09-22. Review status: criteria provided, single submitter. Criteria: Invitae Variant Classification Sherloc (09022015). Collection method: clinical testing. Allele origin: germline.
Comment: This sequence change replaces glycine, which is neutral and non-polar, with arginine, which is basic and polar, at codon 992 of the ABCC6 protein (p.Gly992Arg). This variant is not present in population databases (gnomAD no frequency). This missense change has been observed in individuals with pseudoxanthoma elasticum (PMID: 15894595, 30805891, 32873932). This variant is also known as 2965G->C. ClinVar contains an entry for this variant (Variation ID: 433299). Invitae Evidence Modeling of protein sequence and biophysical properties (such as structural, functional, and spatial information, amino acid conservation, physicochemical variation, residue mobility, and thermodynamic stability) indicates that this missense variant is expected to disrupt ABCC6 protein function with a positive predictive value of 95%. For these reasons, this variant has been classified as Pathogenic.

Blueprint Genetics
Classification: Pathogenic for ABCC6-related disorders. Last evaluated: 2022-06-13. Review status: criteria provided, single submitter. Criteria: ACMG Guidelines, 2015. Collection method: clinical testing. Allele origin: germline. Affected: yes. Observed: 1 variant allele.

PXE International
Classification: Uncertain significance for Autosomal recessive inherited pseudoxanthoma elasticum. Last evaluated: 2021-02-16. Review status: no assertion criteria provided. Collection method: research. Allele origin: germline. Inheritance: Autosomal recessive inheritance. Affected: yes. Observed: 5 variant alleles. Clinical features observed: Papule (HP:0200034), Angioid streaks (HP:0001102), Hypoparathyroidism, Abnormally lax or hyperextensible skin (HP:0008067), Retinal hemorrhage (HP:0000573), Gastrointestinal hemorrhage (HP:0002239), Intermittent claudication (HP:0004417). Not counted in ClinVar's aggregate classification.

Literature cited by the submitters: PubMed 15894595 (cited by Labcorp Genetics (formerly Invitae), Labcorp); PubMed 30805891 (cited by Labcorp Genetics (formerly Invitae), Labcorp); PubMed 32873932 (cited by Labcorp Genetics (formerly Invitae), Labcorp and PXE International).